The following is an entry in ClinVar:

NM_000057.4(BLM):c.716A>C (p.Asp239Ala)

Gene: BLM (BLM RecQ like helicase; plus strand). Cytogenetic location: 15q26.1.
Variant type: single nucleotide variant.
Coding change: c.716A>C on transcript NM_000057.4 (MANE Select); coding-DNA position 716, A replaced by C.
Protein change: p.Asp239Ala; replaces aspartic acid 239 with alanine.
Molecular consequence: missense variant. On other transcripts: 5 prime UTR variant (1).
Genome position (GRCh38, 1-based): chr15:90,749,984, A>C. VCF-style: chr15-90749984-A-C. GRCh37 (hg19) VCF-style: chr15-91293214-A-C.
Other names: c.716A>C, p.Asp239Ala (NM_001287246.2, NM_001287247.2); c.-576A>C (NM_001287248.2); short protein forms D239A.
Identifiers: ClinVar variation 2095971 (VCV002095971.5), dbSNP rs751699247, ClinGen allele CA393841406.

ClinVar aggregate classification (germline): Uncertain significance. Review status: criteria provided, multiple submitters, no conflicts (2 of 4 stars). 2 submissions from 2 submitters: Uncertain significance (2). Last evaluated 2026-01-24.

Conditions:
Hereditary cancer-predisposing syndrome. Also called: Neoplastic Syndromes, Hereditary; Tumor predisposition; Hereditary Cancer Syndrome; Hereditary neoplastic syndrome. Identifiers: Orphanet 140162, MedGen C0027672, MeSH D009386, MONDO:0015356.
Bloom syndrome (BLM). Also called: Bloom-Torre-Machacek syndrome. Identifiers: Orphanet 125, MedGen C0005859, MONDO:0008876, OMIM 210900.

Submissions (2):

Ambry Genetics
Classification: Uncertain significance for Hereditary cancer-predisposing syndrome. Last evaluated: 2026-01-24. Review status: criteria provided, single submitter. Criteria: Ambry Variant Classification Scheme 2023. Collection method: clinical testing. Allele origin: germline.
Comment: The p.D239A variant (also known as c.716A>C), located in coding exon 2 of the BLM gene, results from an A to C substitution at nucleotide position 716. The aspartic acid at codon 239 is replaced by alanine, an amino acid with dissimilar properties. This amino acid position is conserved. In addition, this alteration is predicted to be tolerated by in silico analysis. Based on the available evidence, the clinical significance of this variant remains unclear.

Labcorp Genetics (formerly Invitae), Labcorp
Classification: Uncertain significance for Bloom syndrome. Last evaluated: 2024-04-22. Review status: criteria provided, single submitter. Criteria: Invitae Variant Classification Sherloc (09022015). Collection method: clinical testing. Allele origin: germline.
Comment: This sequence change replaces aspartic acid, which is acidic and polar, with alanine, which is neutral and non-polar, at codon 239 of the BLM protein (p.Asp239Ala). This variant is not present in population databases (gnomAD no frequency). This variant has not been reported in the literature in individuals affected with BLM-related conditions. ClinVar contains an entry for this variant (Variation ID: 2095971). An algorithm developed to predict the effect of missense changes on protein structure and function (PolyPhen-2) suggests that this variant is likely to be tolerated. In summary, the available evidence is currently insufficient to determine the role of this variant in disease. Therefore, it has been classified as a Variant of Uncertain Significance.